The following is an entry in ClinVar:

ClinVar aggregate classification (germline): Pathogenic (1 of 4 stars; one submission).

Submission:

Labcorp Genetics (formerly Invitae), Labcorp
Classification: Pathogenic. Last evaluated: 2022-12-03. Review status: criteria provided, single submitter. Criteria: Invitae Variant Classification Sherloc (09022015). Collection method: clinical testing. Allele origin: unknown.
Comment: For these reasons, this variant has been classified as Pathogenic. This variant has not been reported in the literature in individuals affected with MSH3-related conditions. This variant is a gross deletion of the genomic region encompassing exon(s) 10 of the MSH3 gene. This deletion is out-of-frame, and is expected to create a premature termination codon and result in an absent or disrupted protein product. Loss-of-function variants in MSH3 are known to be pathogenic (PMID: 27476653).

Literature cited by the submitters: PubMed 27476653.

NC_000005.9:g.(?_80024660)_(80024794_?)del

Gene: MSH3 (mutS homolog 3; plus strand). Cytogenetic location: 5q14.1.
Variant type: Deletion.
Identifiers: ClinVar variation 3246483 (VCV003246483.1).